The following is an entry in ClinVar:

ClinVar aggregate classification (germline): Uncertain significance (1 of 4 stars; one submission).

Conditions:
Autosomal recessive severe congenital neutropenia due to CSF3R deficiency. Also called: Neutropenia, severe congenital, 7, autosomal recessive. Identifiers: Orphanet 420702, MedGen C4310764, MONDO:0014865, OMIM 617014.

Allele frequency attached by ClinVar (database versions not stated): ExAC 0.00003; gnomAD 0.00003; gnomAD exomes 0.00003; TOPMed 0.00003; ESP Exome Variant Server 0.00008.
gnomAD v4.1: 31 of 1,612,912 alleles (0.0019%); highest among the groups gnomAD compares: Admixed American, 0.005%; no homozygotes.

Submission:

Labcorp Genetics (formerly Invitae), Labcorp
Classification: Uncertain significance for Autosomal recessive severe congenital neutropenia due to CSF3R deficiency. Last evaluated: 2025-05-22. Review status: criteria provided, single submitter. Criteria: Invitae Variant Classification Sherloc (09022015). Collection method: clinical testing. Allele origin: germline.
Comment: This sequence change replaces alanine, which is neutral and non-polar, with valine, which is neutral and non-polar, at codon 832 of the CSF3R protein (p.Ala832Val). This variant is present in population databases (rs372972496, gnomAD 0.009%). This variant has not been reported in the literature in individuals affected with CSF3R-related conditions. ClinVar contains an entry for this variant (Variation ID: 1417106). An algorithm developed to predict the effect of missense changes on protein structure and function (PolyPhen-2) suggests that this variant is likely to be tolerated. In summary, the available evidence is currently insufficient to determine the role of this variant in disease. Therefore, it has been classified as a Variant of Uncertain Significance.

NM_000760.4(CSF3R):c.2495C>T (p.Ala832Val)

Gene: CSF3R (colony stimulating factor 3 receptor; minus strand). Cytogenetic location: 1p34.3.
Variant type: single nucleotide variant.
Coding change: c.2495C>T on transcript NM_000760.4 (MANE Select); coding-DNA position 2495, C replaced by T.
Protein change: p.Ala832Val; replaces alanine 832 with valine.
Molecular consequence: missense variant. On other transcripts: intron variant (1).
Genome position (GRCh38, 1-based): chr1:36,466,373, G>A on the plus strand (C>T on the coding strand, the complement: CSF3R is on the minus strand). VCF-style: chr1-36466373-G-A. GRCh37 (hg19) VCF-style: chr1-36931974-G-A.
Other names: c.2576C>T, p.Ala859Val (NM_156039.3); c.2248-173C>T (NM_172313.3); short protein forms A832V, A859V.
Identifiers: ClinVar variation 1417106 (VCV001417106.8), dbSNP rs372972496, ClinGen allele CA768886.